The following is an entry in ClinVar:

NM_016203.4(PRKAG2):c.568C>A (p.Arg190Ser)

Gene: PRKAG2 (protein kinase AMP-activated non-catalytic subunit gamma 2; minus strand). Cytogenetic location: 7q36.1.
Variant type: single nucleotide variant.
Coding change: c.568C>A on transcript NM_016203.4 (MANE Select); coding-DNA position 568, C replaced by A.
Protein change: p.Arg190Ser; replaces arginine 190 with serine.
Molecular consequence: missense variant.
Genome position (GRCh38, 1-based): chr7:151,675,536, G>T on the plus strand (C>A on the coding strand, the complement: PRKAG2 is on the minus strand). VCF-style: chr7-151675536-G-T. GRCh37 (hg19) VCF-style: chr7-151372622-G-T.
Other names: c.436C>A, p.Arg146Ser (NM_001040633.2); c.196C>A, p.Arg66Ser (NM_001304527.2, NM_001363698.2); short protein forms R190S, R146S, R66S.
Identifiers: ClinVar variation 410722 (VCV000410722.8), dbSNP rs202200501, ClinGen allele CA16612324.

ClinVar aggregate classification (germline): Uncertain significance (1 of 4 stars; one submission).

Conditions:
Lethal congenital glycogen storage disease of heart. Also called: GLYCOGEN STORAGE DISEASE OF HEART; PHOSPHORYLASE KINASE DEFICIENCY OF HEART. Identifiers: Orphanet 439854, MedGen C1849813, MONDO:0009867, OMIM 261740.

Submission:

Labcorp Genetics (formerly Invitae), Labcorp
Classification: Uncertain significance for Lethal congenital glycogen storage disease of heart. Last evaluated: 2016-07-10. Review status: criteria provided, single submitter. Criteria: Invitae Variant Classification Sherloc (09022015). Collection method: clinical testing. Allele origin: germline.
Comment: This sequence change replaces arginine with serine at codon 190 of the PRKAG2 protein (p.Arg190Ser). The arginine residue is moderately conserved and there is a moderate physicochemical difference between arginine and serine. In summary, this variant is a novel missense change with uncertain impact on protein function. It has been classified as a Variant of Uncertain Significance. Algorithms developed to predict the effect of missense changes on protein structure and function do not agree on the potential impact of this missense change (SIFT: "Tolerated"; PolyPhen-2: "Probably Damaging"; Align-GVGD: "Class C0"). This variant is not present in population databases (ExAC no frequency) and has not been reported in the literature in individuals with a PRKAG2-related disease.